The following is an entry in ClinVar:

ClinVar aggregate classification (germline): Uncertain significance (1 of 4 stars; one submission).

gnomAD v4.1: 24 of 1,613,280 alleles (0.0015%); highest among the groups gnomAD compares: Admixed American, 0.035%; no homozygotes.

Submission:

Labcorp Genetics (formerly Invitae), Labcorp
Classification: Uncertain significance. Last evaluated: 2025-04-16. Review status: criteria provided, single submitter. Criteria: Invitae Variant Classification Sherloc (09022015). Collection method: clinical testing. Allele origin: germline.
Comment: This sequence change affects codon 669 of the NYNRIN mRNA. It is a 'silent' change, meaning that it does not change the encoded amino acid sequence of the NYNRIN protein. This variant is present in population databases (rs537978307, gnomAD 0.01%). This variant has not been reported in the literature in individuals affected with NYNRIN-related conditions. Experimental studies and prediction algorithms are not available or were not evaluated, and the functional significance of this variant is currently unknown. In summary, the available evidence is currently insufficient to determine the role of this variant in disease. Therefore, it has been classified as a Variant of Uncertain Significance.

NM_025081.3(NYNRIN):c.2007T>C (p.Pro669=)

Gene: NYNRIN (NYN domain and retroviral integrase containing; plus strand). Cytogenetic location: 14q12.
Variant type: single nucleotide variant.
Coding change: c.2007T>C on transcript NM_025081.3 (MANE Select); coding-DNA position 2007, T replaced by C.
Protein change: p.Pro669=; no amino-acid change (proline 669 retained).
Molecular consequence: synonymous variant.
Genome position (GRCh38, 1-based): chr14:24,409,801, T>C. VCF-style: chr14-24409801-T-C. GRCh37 (hg19) VCF-style: chr14-24879007-T-C.
Identifiers: ClinVar variation 4738926 (VCV004738926.1).